The following is an entry in ClinVar:

ClinVar aggregate classification (germline): Uncertain significance. Review status: criteria provided, multiple submitters, no conflicts (2 of 4 stars). 2 submissions from 2 submitters: Uncertain significance (2). Last evaluated 2026-07-20.

Conditions:
UCP3-related disorder. Also called: UCP3-related condition.

Allele frequency attached by ClinVar (database versions not stated): ExAC 0.00002; gnomAD exomes 0.00005; gnomAD 0.00016; 1000 Genomes Project 0.00020.
gnomAD v4.1: 66 of 1,614,136 alleles (0.0041%); highest among the groups gnomAD compares: Admixed American, 0.073%; 1 homozygote.

Submissions (2):

PreventionGenetics, part of Exact Sciences
Classification: Uncertain significance for UCP3-related condition. Last evaluated: 2026-07-20. Review status: criteria provided, single submitter. Criteria: ACMG Guidelines, 2015. Collection method: clinical testing. Allele origin: germline.
Comment: The UCP3 c.58G>A variant is predicted to result in the amino acid substitution p.Ala20Thr. To our knowledge, this variant has not been reported in the literature. This variant is reported in 0.029% of alleles in individuals of Latino descent in gnomAD. At this time, the clinical significance of this variant is uncertain due to the absence of conclusive functional and genetic evidence.

Labcorp Genetics (formerly Invitae), Labcorp
Classification: Uncertain significance. Last evaluated: 2025-05-13. Review status: criteria provided, single submitter. Criteria: Invitae Variant Classification Sherloc (09022015). Collection method: clinical testing. Allele origin: germline.
Comment: This sequence change replaces alanine, which is neutral and non-polar, with threonine, which is neutral and polar, at codon 20 of the UCP3 protein (p.Ala20Thr). This variant is present in population databases (rs199679366, gnomAD 0.03%). This variant has not been reported in the literature in individuals affected with UCP3-related conditions. ClinVar contains an entry for this variant (Variation ID: 2138892). Invitae Evidence Modeling of protein sequence and biophysical properties (such as structural, functional, and spatial information, amino acid conservation, physicochemical variation, residue mobility, and thermodynamic stability) has been performed for this missense variant. However, the output from this modeling did not meet the statistical confidence thresholds required to predict the impact of this variant on UCP3 protein function. In summary, the available evidence is currently insufficient to determine the role of this variant in disease. Therefore, it has been classified as a Variant of Uncertain Significance.

NM_003356.4(UCP3):c.58G>A (p.Ala20Thr)

Gene: UCP3 (uncoupling protein 3; minus strand). Cytogenetic location: 11q13.4.
Variant type: single nucleotide variant.
Coding change: c.58G>A on transcript NM_003356.4 (MANE Select); coding-DNA position 58, G replaced by A.
Protein change: p.Ala20Thr; replaces alanine 20 with threonine.
Molecular consequence: missense variant.
Genome position (GRCh38, 1-based): chr11:74,006,985, C>T on the plus strand (G>A on the coding strand, the complement: UCP3 is on the minus strand). VCF-style: chr11-74006985-C-T. GRCh37 (hg19) VCF-style: chr11-73718030-C-T.
Other names: c.58G>A, p.Ala20Thr (NM_022803.3); c.58G>A (NM_003356.3); short protein forms A20T.
Identifiers: ClinVar variation 2138892 (VCV002138892.8), dbSNP rs199679366, ClinGen allele CA6181664.